The following is an entry in ClinVar:

ClinVar aggregate classification (germline): Uncertain significance (1 of 4 stars; one submission).

gnomAD v4.1: 3 of 1,614,214 alleles (0.00019%); highest among the groups gnomAD compares: Admixed American, 0.0017%; no homozygotes.

Submission:

Labcorp Genetics (formerly Invitae), Labcorp
Classification: Uncertain significance. Last evaluated: 2022-07-21. Review status: criteria provided, single submitter. Criteria: Invitae Variant Classification Sherloc (09022015). Collection method: clinical testing. Allele origin: germline.
Comment: This variant has not been reported in the literature in individuals affected with EXTL3-related conditions. This variant is present in population databases (no rsID available, gnomAD 0.003%). This sequence change replaces proline, which is neutral and non-polar, with glutamine, which is neutral and polar, at codon 171 of the EXTL3 protein (p.Pro171Gln). Algorithms developed to predict the effect of missense changes on protein structure and function (SIFT, PolyPhen-2, Align-GVGD) all suggest that this variant is likely to be tolerated. In summary, the available evidence is currently insufficient to determine the role of this variant in disease. Therefore, it has been classified as a Variant of Uncertain Significance.

NM_001440.4(EXTL3):c.512C>A (p.Pro171Gln)

Gene: EXTL3 (exostosin like glycosyltransferase 3; plus strand). Cytogenetic location: 8p21.1.
Variant type: single nucleotide variant.
Coding change: c.512C>A on transcript NM_001440.4 (MANE Select); coding-DNA position 512, C replaced by A.
Protein change: p.Pro171Gln; replaces proline 171 with glutamine.
Molecular consequence: missense variant.
Genome position (GRCh38, 1-based): chr8:28,716,571, C>A. VCF-style: chr8-28716571-C-A. GRCh37 (hg19) VCF-style: chr8-28574088-C-A.
Other names: short protein forms P171Q.
Identifiers: ClinVar variation 1909682 (VCV001909682.5), dbSNP rs749286787, ClinGen allele CA174385822.
Genomic context (GRCh38, chr8:28,716,571, plus strand): 5'-CCAAGCTGTCCCTGCCCATCCGACTGCTCCCAGAGAAGGACGATGCCGGCCTCCCTCCCC[C>A]GAAGGCCACTCGGGGCTGCCGGCTACACAACTGCTTTGATTATTCTCGTTGCCCTCTCAC-3'
Protein context (NP_001431.1, residues 161-181): PEKDDAGLPP[Pro171Gln]KATRGCRLHN